The following is an entry in ClinVar:

ClinVar aggregate classification (germline): Uncertain significance (1 of 4 stars; one submission).

Conditions:
Charcot-Marie-Tooth disease X-linked dominant 6. Also called: CHARCOT-MARIE-TOOTH NEUROPATHY, X-LINKED DOMINANT, 6. Identifiers: Orphanet 352675, MedGen C3806702, MONDO:0010479, OMIM 300905.

Submission:

Labcorp Genetics (formerly Invitae), Labcorp
Classification: Uncertain significance for Charcot-Marie-Tooth disease X-linked dominant 6. Last evaluated: 2024-04-25. Review status: criteria provided, single submitter. Criteria: Invitae Variant Classification Sherloc (09022015). Collection method: clinical testing. Allele origin: germline.
Comment: This sequence change replaces proline, which is neutral and non-polar, with leucine, which is neutral and non-polar, at codon 181 of the PDK3 protein (p.Pro181Leu). This variant is present in population databases (no rsID available, gnomAD 0.004%). This variant has not been reported in the literature in individuals affected with PDK3-related conditions. Advanced modeling of protein sequence and biophysical properties (such as structural, functional, and spatial information, amino acid conservation, physicochemical variation, residue mobility, and thermodynamic stability) has been performed at Invitae for this missense variant, however the output from this modeling did not meet the statistical confidence thresholds required to predict the impact of this variant on PDK3 protein function. Algorithms developed to predict the effect of sequence changes on RNA splicing suggest that this variant may create or strengthen a splice site. In summary, the available evidence is currently insufficient to determine the role of this variant in disease. Therefore, it has been classified as a Variant of Uncertain Significance.

NM_005391.5(PDK3):c.542C>T (p.Pro181Leu)

Gene: PDK3 (pyruvate dehydrogenase kinase 3; plus strand). Cytogenetic location: Xp22.11.
Variant type: single nucleotide variant.
Coding change: c.542C>T on transcript NM_005391.5 (MANE Select); coding-DNA position 542, C replaced by T.
Protein change: p.Pro181Leu; replaces proline 181 with leucine.
Molecular consequence: missense variant.
Genome position (GRCh38, 1-based): chrX:24,505,245, C>T. VCF-style: chrX-24505245-C-T. GRCh37 (hg19) VCF-style: chrX-24523362-C-T.
Other names: c.542C>T, p.Pro181Leu (NM_001142386.3); short protein forms P181L.
Identifiers: ClinVar variation 3626818 (VCV003626818.2).
Genomic context (GRCh38, chrX:24,505,245, plus strand): 5'-CCCTTTCCTTTTGTGTTCGTCTAGCACTTCTGTTTGGGGGTGACACTAATCCTGTTCATC[C>T]TAAACACATAGGAAGTATCGATCCCACCTGTAACGTGGCGGATGTGGTGAAAGGTAAGGA-3'
Protein context (NP_005382.1, residues 171-191): LFGGDTNPVH[Pro181Leu]KHIGSIDPTC